The following is an entry in ClinVar:

ClinVar aggregate classification (germline): Uncertain significance (1 of 4 stars; one submission).

Allele frequency attached by ClinVar (database versions not stated): ExAC 0.00001; gnomAD 0.00003; gnomAD exomes 0.00004; 1000 Genomes Project 30x 0.00016; 1000 Genomes Project 0.00020.
gnomAD v4.1: 27 of 1,614,092 alleles (0.0017%); no homozygotes.

Submission:

Labcorp Genetics (formerly Invitae), Labcorp
Classification: Uncertain significance. Last evaluated: 2021-04-24. Review status: criteria provided, single submitter. Criteria: Invitae Variant Classification Sherloc (09022015). Collection method: clinical testing. Allele origin: germline.
Comment: This sequence change replaces serine with phenylalanine at codon 8 of the TYRP1 protein (p.Ser8Phe). The serine residue is weakly conserved and there is a large physicochemical difference between serine and phenylalanine. In summary, the available evidence is currently insufficient to determine the role of this variant in disease. Therefore, it has been classified as a Variant of Uncertain Significance. Algorithms developed to predict the effect of missense changes on protein structure and function (SIFT, PolyPhen-2, Align-GVGD) all suggest that this variant is likely to be tolerated, but these predictions have not been confirmed by published functional studies and their clinical significance is uncertain. This variant has not been reported in the literature in individuals with TYRP1-related conditions. This variant is present in population databases (rs201899938, ExAC 0.02%).

NM_000550.3(TYRP1):c.23C>T (p.Ser8Phe)

Gene: TYRP1 (tyrosinase related protein 1; plus strand). Cytogenetic location: 9p23.
Variant type: single nucleotide variant.
Coding change: c.23C>T on transcript NM_000550.3 (MANE Select); coding-DNA position 23, C replaced by T.
Protein change: p.Ser8Phe; replaces serine 8 with phenylalanine.
Molecular consequence: missense variant.
Genome position (GRCh38, 1-based): chr9:12,694,019, C>T. VCF-style: chr9-12694019-C-T. GRCh37 (hg19) VCF-style: chr9-12694019-C-T.
Other names: short protein forms S8F.
Identifiers: ClinVar variation 1348424 (VCV001348424.8), dbSNP rs201899938, ClinGen allele CA4985088.